The following is an entry in ClinVar:

ClinVar aggregate classification (germline): Uncertain significance (1 of 4 stars; one submission).

Conditions:
RYR1-related disorder. Also called: RYR1-related condition; RYR1-related disorders. Identifiers: MedGen CN239331.

Submission:

Labcorp Genetics (formerly Invitae), Labcorp
Classification: Uncertain significance for RYR1-related disorder. Last evaluated: 2022-02-09. Review status: criteria provided, single submitter. Criteria: Invitae Variant Classification Sherloc (09022015). Collection method: clinical testing. Allele origin: germline.
Comment: This sequence change replaces lysine, which is basic and polar, with glutamic acid, which is acidic and polar, at codon 597 of the RYR1 protein (p.Lys597Glu). In summary, the available evidence is currently insufficient to determine the role of this variant in disease. Therefore, it has been classified as a Variant of Uncertain Significance. Algorithms developed to predict the effect of missense changes on protein structure and function are either unavailable or do not agree on the potential impact of this missense change (SIFT: "Deleterious"; PolyPhen-2: "Probably Damaging"; Align-GVGD: "Class C0"). This variant has not been reported in the literature in individuals affected with RYR1-related conditions. This variant is not present in population databases (gnomAD no frequency).

NM_000540.3(RYR1):c.1789A>G (p.Lys597Glu)

Gene: RYR1 (ryanodine receptor 1; plus strand). Cytogenetic location: 19q13.2.
Variant type: single nucleotide variant.
Coding change: c.1789A>G on transcript NM_000540.3 (MANE Select); coding-DNA position 1789, A replaced by G.
Protein change: p.Lys597Glu; replaces lysine 597 with glutamic acid.
Molecular consequence: missense variant.
Genome position (GRCh38, 1-based): chr19:38,455,749, A>G. VCF-style: chr19-38455749-A-G. GRCh37 (hg19) VCF-style: chr19-38946389-A-G.
Other names: c.1789A>G, p.Lys597Glu (NM_001042723.2); short protein forms K597E.
Identifiers: ClinVar variation 2041814 (VCV002041814.4), dbSNP rs2514028364, ClinGen allele CA405691981.